The following continues an entry in ClinVar:

NM_000350.3(ABCA4):c.4297G>A (p.Val1433Ile)

Gene: ABCA4. ClinVar aggregate classification (germline): Conflicting classifications of pathogenicity. Uncertain significance (7); Likely benign (2).

Submissions 13 to 16 of 16:

Department of Pathology and Laboratory Medicine, Sinai Health System
Classification: Uncertain significance. Review status: no assertion criteria provided. Collection method: clinical testing. Allele origin: unknown. Affected: yes. Study: The Canadian Open Genetics Repository (COGR). Not counted in ClinVar's aggregate classification.
Comment: The ABCA4 p.Val1433Ile variant was identified in 9 of 1492 proband chromosomes (frequency: 0.006) from individuals or families with stargardt disease, cone-rod dystrophy, age-related macular degeneration and retinitis pigmentosa (Schulz_2017_PMID:28118664; Thiadens_2012_PMID:22264887; Aguirre-Lamban_2009_PMID:19028736; Baum_2003_PMID:12592048; Lewis_1999_PMID:9973280). The variant was identified in dbSNP (ID: rs56357060), ClinVar (classified as likely pathogenic by Institute of Human Genetics, Univ. Regensburg and as a VUS by EGL Genetic Diagnostics and Illumina) and in LOVD 3.0 (classified as pathogenic once, a VUS four times and likely benign twice). The variant was also identified in control databases in 470 of 282886 chromosomes (1 homozygous) at a frequency of 0.001661 increasing the likelihood this could be a low frequency benign variant (Genome Aggregation Database Feb 27, 2017). The variant was observed in the following populations: European (non-Finnish) in 322 of 129192 chromosomes (freq: 0.002492), Other in 14 of 7226 chromosomes (freq: 0.001937), East Asian in 35 of 19952 chromosomes (freq: 0.001754), Latino in 56 of 35440 chromosomes (freq: 0.00158), European (Finnish) in 19 of 25118 chromosomes (freq: 0.000756), African in 16 of 24972 chromosomes (freq: 0.000641), South Asian in 7 of 30616 chromosomes (freq: 0.000229), and Ashkenazi Jewish in 1 of 10370 chromosomes (freq: 0.000096). The p.Val1433 residue is conserved in mammals but not in more distantly related organisms however four out of five computational analyses (PolyPhen-2, SIFT, AlignGVGD, BLOSUM, MutationTaster) do not suggest a high likelihood of impact to the protein; this information is not predictive enough to rule out pathogenicity. The variant occurs outside of the splicing consensus sequence and in silico or computational prediction software programs (SpliceSiteFinder, MaxEntScan, NNSPLICE, GeneSplicer) do not predict a difference in splicing. In summary, based on the above information the clinical significance of this variant cannot be determined with certainty at this time. This variant is classified as a variant of uncertain significance.

Joint Genome Diagnostic Labs from Nijmegen and Maastricht, Radboudumc and MUMC+
Classification: Uncertain significance. Review status: no assertion criteria provided. Collection method: clinical testing. Allele origin: germline. Affected: yes. Study: VKGL Data-share Consensus. Not counted in ClinVar's aggregate classification.

NEI Ophthalmic Genomics Laboratory, National Institutes of Health
No classification provided. Review status: no classification provided. Collection method: not provided. Allele origin: not provided. Not counted in ClinVar's aggregate classification.

Retina International
No classification provided. Review status: no classification provided. Collection method: not provided. Allele origin: unknown. Not counted in ClinVar's aggregate classification.

Literature cited by the submitters: PubMed 9973280 (cited by 3billion and Institute of Human Genetics, Univ. Regensburg, Univ. Regensburg); PubMed 20981092 (cited by Institute of Human Genetics, Univ. Regensburg, Univ. Regensburg); PubMed 22025579 (cited by Institute of Human Genetics, Univ. Regensburg, Univ. Regensburg); PubMed 22264887 (cited by Institute of Human Genetics, Univ. Regensburg, Univ. Regensburg); PubMed 22995991 (cited by Institute of Human Genetics, Univ. Regensburg, Univ. Regensburg); PubMed 27527345 (cited by Institute of Human Genetics, Univ. Regensburg, Univ. Regensburg); PubMed 28341476 (cited by Institute of Human Genetics, Univ. Regensburg, Univ. Regensburg); PubMed 29555955 (cited by Institute of Human Genetics, Univ. Regensburg, Univ. Regensburg); PubMed 31964843 (cited by Institute of Human Genetics, Univ. Regensburg, Univ. Regensburg); PubMed 32307445 (cited by Institute of Human Genetics, Univ. Regensburg, Univ. Regensburg); PubMed 33090715 (cited by Institute of Human Genetics, Univ. Regensburg, Univ. Regensburg); PubMed 32037395 (cited by Institute of Human Genetics, Univ. Regensburg, Univ. Regensburg); PubMed 34426522 (cited by Institute of Human Genetics, Univ. Regensburg, Univ. Regensburg); PubMed 35119454 (cited by Institute of Human Genetics, Univ. Regensburg, Univ. Regensburg); PubMed 28118664 (cited by Institute of Human Genetics, Univ. Regensburg, Univ. Regensburg).